The following is an entry in ClinVar:

NM_015335.5(MED13L):c.1629T>A (p.Asn543Lys)

Gene: MED13L (mediator complex subunit 13L; minus strand). Cytogenetic location: 12q24.21.
Variant type: single nucleotide variant.
Coding change: c.1629T>A on transcript NM_015335.5 (MANE Select); coding-DNA position 1629, T replaced by A.
Protein change: p.Asn543Lys; replaces asparagine 543 with lysine.
Molecular consequence: missense variant.
Genome position (GRCh38, 1-based): chr12:116,008,784, A>T on the plus strand (T>A on the coding strand, the complement: MED13L is on the minus strand). VCF-style: chr12-116008784-A-T. GRCh37 (hg19) VCF-style: chr12-116446589-A-T.
Other names: short protein forms N543K.
Identifiers: ClinVar variation 2695484 (VCV002695484.3), dbSNP rs548984466, ClinGen allele CA386895898.

ClinVar aggregate classification (germline): Uncertain significance (1 of 4 stars; one submission).

Conditions:
Dextro-looped transposition of the great arteries. Also called: Dextrotransposition of the great arteries. Identifiers: Orphanet 860, MedGen C3531771, MONDO:0019443, OMIM 608808, HP:0031348.

Submission:

Labcorp Genetics (formerly Invitae), Labcorp
Classification: Uncertain significance for Dextro-looped transposition of the great arteries. Last evaluated: 2023-11-13. Review status: criteria provided, single submitter. Criteria: Invitae Variant Classification Sherloc (09022015). Collection method: clinical testing. Allele origin: germline.
Comment: This sequence change replaces asparagine, which is neutral and polar, with lysine, which is basic and polar, at codon 543 of the MED13L protein (p.Asn543Lys). This variant is not present in population databases (gnomAD no frequency). This variant has not been reported in the literature in individuals affected with MED13L-related conditions. Advanced modeling of protein sequence and biophysical properties (such as structural, functional, and spatial information, amino acid conservation, physicochemical variation, residue mobility, and thermodynamic stability) performed at Invitae indicates that this missense variant is not expected to disrupt MED13L protein function with a negative predictive value of 80%. In summary, the available evidence is currently insufficient to determine the role of this variant in disease. Therefore, it has been classified as a Variant of Uncertain Significance.